The following is an entry in ClinVar:

NM_000142.5(FGFR3):c.2394A>C (p.Pro798=)

Gene: FGFR3 (fibroblast growth factor receptor 3; plus strand). Cytogenetic location: 4p16.3.
Variant type: single nucleotide variant.
Coding change: c.2394A>C on transcript NM_000142.5 (MANE Select); coding-DNA position 2394, A replaced by C.
Protein change: p.Pro798=; no amino-acid change (proline 798 retained).
Molecular consequence: synonymous variant. On other transcripts: missense variant (1), non-coding transcript variant (1).
Genome position (GRCh38, 1-based): chr4:1,807,235, A>C. VCF-style: chr4-1807235-A-C. GRCh37 (hg19) VCF-style: chr4-1808962-A-C.
Other names: c.2400A>C, p.Pro800= (NM_001163213.2); c.2397A>C, p.Pro799= (NM_001354809.2); c.2326A>C, p.Thr776Pro (NM_001354810.2); c.2058A>C, p.Pro686= (NM_022965.4); short protein forms T776P.
Identifiers: ClinVar variation 2636717 (VCV002636717.1), dbSNP rs904961491, ClinGen allele CA91259621.

ClinVar aggregate classification (germline): Uncertain significance (1 of 4 stars; one submission).

Conditions:
FGFR3-related disorder. Also called: FGFR3-related disorders.

Allele frequency attached by ClinVar (database versions not stated): gnomAD 0.00001; gnomAD exomes 0.00001; TOPMed 0.00002.
gnomAD v4.1: 13 of 1,607,388 alleles (0.00081%); highest among the groups gnomAD compares: Non-Finnish European, 0.0011%; no homozygotes.

Submission:

PreventionGenetics, part of Exact Sciences
Classification: Uncertain significance for FGFR3-related condition. Last evaluated: 2023-05-09. Review status: criteria provided, single submitter. Criteria: ACMG Guidelines, 2015. Collection method: clinical testing. Allele origin: germline.
Comment: The FGFR3 c.2326A>C variant is predicted to result in the amino acid substitution p.Thr776Pro. In the primary transcript listed in the Human Gene Mutation Database, this variant is referred to as NM_000142:c.2394A>C (p.=). To our knowledge, this variant has not been reported in the literature. This variant is reported in 0.0020% of alleles in individuals of European (Non-Finnish) descent in gnomAD. At this time, the clinical significance of this variant is uncertain due to the absence of conclusive functional and genetic evidence.